The following is an entry in ClinVar:

NM_005475.3(SH2B3):c.1507T>G (p.Ser503Ala)

Gene: SH2B3 (SH2B adaptor protein 3; plus strand). Cytogenetic location: 12q24.12.
Variant type: single nucleotide variant.
Coding change: c.1507T>G on transcript NM_005475.3 (MANE Select); coding-DNA position 1507, T replaced by G.
Protein change: p.Ser503Ala; replaces serine 503 with alanine.
Molecular consequence: missense variant.
Genome position (GRCh38, 1-based): chr12:111,448,081, T>G. VCF-style: chr12-111448081-T-G. GRCh37 (hg19) VCF-style: chr12-111885885-T-G.
Other names: c.901T>G, p.Ser301Ala (NM_001291424.1); short protein forms S301A, S503A.
Identifiers: ClinVar variation 5029453 (VCV005029453.1).

ClinVar aggregate classification (germline): Uncertain significance (1 of 4 stars; one submission).

Conditions:
Inborn genetic diseases. Identifiers: MedGen C0950123, MeSH D030342.

Submission:

Ambry Genetics
Classification: Uncertain significance for Inborn genetic diseases. Last evaluated: 2026-06-19. Review status: criteria provided, single submitter. Criteria: Ambry Variant Classification Scheme 2023. Collection method: clinical testing. Allele origin: germline.
Comment: The p.S503A variant (also known as c.1507T>G), located in coding exon 7 of the SH2B3 gene, results from a T to G substitution at nucleotide position 1507. The serine at codon 503 is replaced by alanine, an amino acid with similar properties. This amino acid position is conserved. In addition, this alteration is predicted to be tolerated by in silico analysis. Based on the available evidence, the clinical significance of this variant remains unclear.